The following is an entry in ClinVar:

ClinVar aggregate classification (germline): Pathogenic (0 of 4 stars; one submission).

Conditions:
Radioulnar synostosis. Also called: Congenital radioulnar synostosis. Identifiers: Orphanet 3269, MedGen C0158761, MONDO:0017985, HP:0002974.

Submission:

The Laboratory of Genetics and Metabolism, Hunan Children’s Hospital
Classification: Pathogenic for radioulnar synostosis. Last evaluated: 2019-05-14. Review status: no assertion criteria provided. Collection method: case-control. Allele origin: de novo. Affected: yes.
Comment: PVS1, PS2, PM2, PP4

NM_005585.5(SMAD6):c.106dup (p.Asp36fs)

Gene: SMAD6 (SMAD family member 6; plus strand). Cytogenetic location: 15q22.31.
Variant type: Duplication.
Coding change: c.106dup on transcript NM_005585.5 (MANE Select); coding-DNA position 106, one base duplicated (G; older notation c.106dupG).
Protein change: p.Asp36fs; shifts the reading frame from aspartic acid 36.
Molecular consequence: frameshift variant. On other transcripts: non-coding transcript variant (1).
Genome position (GRCh38, 1-based): chr15:66,703,364, G duplicated; the last of 2 consecutive G bases (chr15:66,703,363-66,703,364); duplicating either gives the same sequence. VCF-style (leftmost placement, unchanged base first): chr15-66703362-A-AG. GRCh37 (hg19) VCF-style: chr15-66995700-A-AG.
Other names: short protein forms D36fs.
Identifiers: ClinVar variation 690422 (VCV000690422.2), dbSNP rs1595756416, ClinGen allele CA915946054.
Genomic context (GRCh38, chr15:66,703,362, plus strand): 5'-GAAGTCGTGTGGTCCCCGACCGGGAGGAAGGCGGCAGCGGCGGCGGCGGTGGCGGCGACG[A>AG]GGATGGGAGCTTGGGCAGCCGAGCTGAGCCGGCCCCGCGGGCAAGAGAGGGCGGAGGCTG-3'